The following is an entry in ClinVar:

NM_018474.6(KIZ):c.1643A>G (p.Lys548Arg)

Genes: KIZ (kizuna centrosomal protein; plus strand), KIZ-AS1 (KIZ antisense RNA 1; minus strand). Cytogenetic location: 20p11.23.
Variant type: single nucleotide variant.
Coding change: c.1643A>G on transcript NM_018474.6 (MANE Select); coding-DNA position 1643, A replaced by G.
Protein change: p.Lys548Arg; replaces lysine 548 with arginine.
Molecular consequence: missense variant.
Genome position (GRCh38, 1-based): chr20:21,215,613, A>G. VCF-style: chr20-21215613-A-G. GRCh37 (hg19) VCF-style: chr20-21196251-A-G.
Other names: c.1334A>G, p.Lys445Arg (NM_001163022.3); c.1244A>G, p.Lys415Arg (NM_001163023.3); c.1496A>G, p.Lys499Arg (NM_001276389.2); c.1589A>G, p.Lys530Arg (NM_001352434.2); c.1280A>G, p.Lys427Arg (NM_001352435.2); c.1301A>G, p.Lys434Arg (NM_001352436.2); short protein forms K530R, K548R, K434R, K415R, K427R, K445R, K499R.
Identifiers: ClinVar variation 2002905 (VCV002002905.4), dbSNP rs2036256443, ClinGen allele CA408491885.
Genomic context (GRCh38, chr20:21,215,613, plus strand): 5'-CTTTTTTTTTATTATGCATTCAATTTTTAGAAGTTTCAAGTGGCTGTGGAGACAAGAGCA[A>G]GAAAGAAAATGTGGCTGCAGATATCCCAATCACAGGTAAAGCTATGGTTGCCTAAGAGTT-3'
Protein context (NP_060944.3, residues 538-558): EVSSGCGDKS[Lys548Arg]KENVAADIPI

ClinVar aggregate classification (germline): Uncertain significance (1 of 4 stars; one submission).

Submission:

Labcorp Genetics (formerly Invitae), Labcorp
Classification: Uncertain significance. Last evaluated: 2022-06-07. Review status: criteria provided, single submitter. Criteria: Invitae Variant Classification Sherloc (09022015). Collection method: clinical testing. Allele origin: germline.
Comment: In summary, the available evidence is currently insufficient to determine the role of this variant in disease. Therefore, it has been classified as a Variant of Uncertain Significance. Algorithms developed to predict the effect of sequence changes on RNA splicing suggest that this variant may disrupt the consensus splice site. This variant has not been reported in the literature in individuals affected with KIZ-related conditions. This variant is not present in population databases (gnomAD no frequency). This sequence change replaces lysine, which is basic and polar, with arginine, which is basic and polar, at codon 548 of the KIZ protein (p.Lys548Arg).